The following is an entry in ClinVar:

NM_005411.5(SFTPA1):c.123G>A (p.Leu41=)

Gene: SFTPA1 (surfactant protein A1; plus strand). Cytogenetic location: 10q22.3.
Variant type: single nucleotide variant.
Coding change: c.123G>A on transcript NM_005411.5 (MANE Select); coding-DNA position 123, G replaced by A.
Protein change: p.Leu41=; no amino-acid change (leucine 41 retained).
Molecular consequence: synonymous variant. On other transcripts: intron variant (2).
Genome position (GRCh38, 1-based): chr10:79,611,948, G>A. VCF-style: chr10-79611948-G-A. GRCh37 (hg19) VCF-style: chr10-81371704-G-A.
Other names: c.168G>A, p.Leu56= (NM_001093770.3); c.123G>A, p.Leu41= (NM_001164644.2, NM_001164647.1); c.85+38G>A (NM_001164646.2); c.130+38G>A (NM_001164645.2).
Identifiers: ClinVar variation 3043686 (VCV003043686.3), dbSNP rs758660075, ClinGen allele CA5574390.

ClinVar aggregate classification (germline): Likely benign. Review status: criteria provided, single submitter (1 of 4 stars). 2 submissions from 2 submitters: Likely benign (1). 1 of the submissions does not count toward it. Last evaluated 2020-08-12.

Conditions:
SFTPA1-related disorder. Also called: SFTPA1-related condition.

Allele frequency attached by ClinVar (database versions not stated): ExAC 0.00002; gnomAD 0.00002; TOPMed 0.00002.

Submissions (2):

Blueprint Genetics
Classification: Likely benign. Last evaluated: 2020-08-12. Review status: criteria provided, single submitter. Criteria: ACMG Guidelines, 2015. Collection method: clinical testing. Allele origin: germline.

PreventionGenetics, part of Exact Sciences
Classification: Likely benign for SFTPA1-related condition. Last evaluated: 2022-09-30. Review status: no assertion criteria provided. Collection method: clinical testing. Allele origin: germline. Not counted in ClinVar's aggregate classification.
Comment: This variant is classified as likely benign based on ACMG/AMP sequence variant interpretation guidelines (Richards et al. 2015 PMID: 25741868, with internal and published modifications).